The following is an entry in ClinVar:

ClinVar aggregate classification (germline): Uncertain significance. Review status: criteria provided, multiple submitters, no conflicts (2 of 4 stars). 2 submissions from 2 submitters: Uncertain significance (2). Last evaluated 2024-04-10.

gnomAD v4.1: 1 of 1,613,986 alleles (0.000062%); highest among the groups gnomAD compares: Non-Finnish European, 0.000085%; no homozygotes.

Submissions (2):

Labcorp Genetics (formerly Invitae), Labcorp
Classification: Uncertain significance. Last evaluated: 2024-04-10. Review status: criteria provided, single submitter. Criteria: Invitae Variant Classification Sherloc (09022015). Collection method: clinical testing. Allele origin: germline.
Comment: This sequence change replaces aspartic acid, which is acidic and polar, with histidine, which is basic and polar, at codon 1389 of the ITPR1 protein (p.Asp1389His). This variant is not present in population databases (gnomAD no frequency). This variant has not been reported in the literature in individuals affected with ITPR1-related conditions. ClinVar contains an entry for this variant (Variation ID: 2003668). Advanced modeling of protein sequence and biophysical properties (such as structural, functional, and spatial information, amino acid conservation, physicochemical variation, residue mobility, and thermodynamic stability) has been performed at Invitae for this missense variant, however the output from this modeling did not meet the statistical confidence thresholds required to predict the impact of this variant on ITPR1 protein function. In summary, the available evidence is currently insufficient to determine the role of this variant in disease. Therefore, it has been classified as a Variant of Uncertain Significance.

GeneDx
Classification: Uncertain significance. Last evaluated: 2022-11-28. Review status: criteria provided, single submitter. Criteria: GeneDx Variant Classification Process June 2021. Collection method: clinical testing. Allele origin: germline. Affected: yes.
Comment: Not observed at significant frequency in large population cohorts (gnomAD); In silico analysis supports that this missense variant has a deleterious effect on protein structure/function; Has not been previously published as pathogenic or benign to our knowledge

NM_001378452.1(ITPR1):c.4237G>C (p.Asp1413His)

Gene: ITPR1 (inositol 1,4,5-trisphosphate receptor type 1; plus strand). Cytogenetic location: 3p26.1.
Variant type: single nucleotide variant.
Coding change: c.4237G>C on transcript NM_001378452.1 (MANE Select); coding-DNA position 4237, G replaced by C.
Protein change: p.Asp1413His; replaces aspartic acid 1413 with histidine.
Molecular consequence: missense variant.
Genome position (GRCh38, 1-based): chr3:4,693,697, G>C. VCF-style: chr3-4693697-G-C. GRCh37 (hg19) VCF-style: chr3-4735381-G-C.
Other names: c.4165G>C (NM_002222.5); c.4210G>C, p.Asp1404His (NM_001099952.4); c.4192G>C, p.Asp1398His (NM_001168272.2); c.4165G>C, p.Asp1389His (NM_002222.7); short protein forms D1389H, D1398H, D1404H, D1413H.
Identifiers: ClinVar variation 2003668 (VCV002003668.5), dbSNP rs2469825555, ClinGen allele CA351631859.
Genomic context (GRCh38, chr3:4,693,697, plus strand): 5'-GTGTGCACGGAGGGTAAGAATGTCTACACAGAGATCAAGTGCAACTCCCTGCTCCCGCTG[G>C]ATGACATCGTTCGCGTGGTGACCCACGAGGACTGCATCCCTGAGGTGAGCGAGCCCAGCC-3'
Protein context (NP_001365381.1, residues 1403-1423): EIKCNSLLPL[Asp1413His]DIVRVVTHED